The following is an entry in ClinVar:

ClinVar aggregate classification (germline): Uncertain significance. Review status: criteria provided, single submitter (1 of 4 stars). 2 submissions from 2 submitters: Uncertain significance (1). 1 of the submissions does not count toward it. Last evaluated 2018-01-13.

Conditions:
Ornithine carbamoyltransferase deficiency (OTCD). Also called: OTC DEFICIENCY; ORNITHINE TRANSCARBAMYLASE DEFICIENCY; ORNITHINE TRANSCARBAMYLASE DEFICIENCY, HYPERAMMONEMIA DUE TO; Ornithine Carbamoyltransferase Deficiency Disease. Identifiers: Orphanet 664, MedGen C0268542, MONDO:0010703, OMIM 311250.
OTC-related disorder. Also called: OTC-related condition.

Submissions (2):

Illumina Laboratory Services, Illumina
Classification: Uncertain significance for Ornithine carbamoyltransferase deficiency. Last evaluated: 2018-01-13. Review status: criteria provided, single submitter. Criteria: ICSL Variant Classification Criteria 13 December 2019. Collection method: clinical testing. Allele origin: germline.

PreventionGenetics, part of Exact Sciences
Classification: Likely benign for OTC-related condition. Last evaluated: 2024-02-28. Review status: no assertion criteria provided. Collection method: clinical testing. Allele origin: germline. Not counted in ClinVar's aggregate classification.
Comment: This variant is classified as likely benign based on ACMG/AMP sequence variant interpretation guidelines (Richards et al. 2015 PMID: 25741868, with internal and published modifications).

NM_000531.6(OTC):c.216+10A>G

Gene: OTC (ornithine transcarbamylase; plus strand). Cytogenetic location: Xp11.4.
Variant type: single nucleotide variant.
Coding change: c.216+10A>G on transcript NM_000531.6 (MANE Select); 10 bases into the intron after coding-DNA position 216, A replaced by G.
Molecular consequence: intron variant.
Genome position (GRCh38, 1-based): chrX:38,367,439, A>G. VCF-style: chrX-38367439-A-G. GRCh37 (hg19) VCF-style: chrX-38226692-A-G.
Identifiers: ClinVar variation 912659 (VCV000912659.6), dbSNP rs1473033144, ClinGen allele CA640863224.